The following is an entry in ClinVar:

ClinVar aggregate classification (germline): Uncertain significance (1 of 4 stars; one submission).

Conditions:
Menke-Hennekam syndrome 2 (MKHK2). Identifiers: MedGen C5193035, MONDO:0020769, OMIM 618333.
Rubinstein-Taybi syndrome due to EP300 haploinsufficiency. Also called: RUBINSTEIN-TAYBI SYNDROME 2; EP300-Related Rubinstein-Taybi Syndrome. Identifiers: Orphanet 353284, Orphanet 783, MedGen C3150941, MONDO:0013364, OMIM 613684.

Submission:

Institute of Immunology and Genetics Kaiserslautern
Classification: Uncertain significance for Menke-Hennekam syndrome 2; Rubinstein-Taybi syndrome due to EP300 haploinsufficiency. Last evaluated: 2024-04-25. Review status: criteria provided, single submitter. Criteria: ACMG Guidelines, 2015. Collection method: clinical testing. Allele origin: germline. Affected: yes.
Comment: ACMG Criteria: PM2; Variant was found in heterozygous state

NM_001429.4(EP300):c.1225C>T (p.His409Tyr)

Gene: EP300 (EP300 lysine acetyltransferase; plus strand). Cytogenetic location: 22q13.2.
Variant type: single nucleotide variant.
Coding change: c.1225C>T on transcript NM_001429.4 (MANE Select); coding-DNA position 1225, C replaced by T.
Protein change: p.His409Tyr; replaces histidine 409 with tyrosine.
Molecular consequence: missense variant.
Genome position (GRCh38, 1-based): chr22:41,129,946, C>T. VCF-style: chr22-41129946-C-T. GRCh37 (hg19) VCF-style: chr22-41525950-C-T.
Other names: c.1225C>T, p.His409Tyr (NM_001362843.2); short protein forms H409Y.
Identifiers: ClinVar variation 3235079 (VCV003235079.1), dbSNP rs2145713608, ClinGen allele CA411684983.